The following is an entry in ClinVar:

ClinVar aggregate classification (germline): Uncertain significance (1 of 4 stars; one submission).

Conditions:
Nephronophthisis. Also called: Juvenile Nephronophthisis. Identifiers: Orphanet 655, MedGen C0687120, MONDO:0019005, HP:0000090.

Allele frequency attached by ClinVar (database versions not stated): gnomAD 0.00001.
gnomAD v4.1: 1 of 1,613,926 alleles (0.000062%); highest among the groups gnomAD compares: Non-Finnish European, 0.000085%; no homozygotes.

Submission:

Labcorp Genetics (formerly Invitae), Labcorp
Classification: Uncertain significance for Nephronophthisis. Last evaluated: 2022-07-12. Review status: criteria provided, single submitter. Criteria: Invitae Variant Classification Sherloc (09022015). Collection method: clinical testing. Allele origin: germline.
Comment: This variant has not been reported in the literature in individuals affected with NPHP3-related conditions. Algorithms developed to predict the effect of missense changes on protein structure and function are either unavailable or do not agree on the potential impact of this missense change (SIFT: "Deleterious"; PolyPhen-2: "Probably Damaging"; Align-GVGD: "Class C0"). In summary, the available evidence is currently insufficient to determine the role of this variant in disease. Therefore, it has been classified as a Variant of Uncertain Significance. This sequence change replaces alanine, which is neutral and non-polar, with threonine, which is neutral and polar, at codon 976 of the NPHP3 protein (p.Ala976Thr). This variant is present in population databases (no rsID available, gnomAD 0.0009%).

NM_153240.5(NPHP3):c.2926G>A (p.Ala976Thr)

Genes: NPHP3 (nephrocystin 3; minus strand), NPHP3-ACAD11 (NPHP3-ACAD11 readthrough (NMD candidate); minus strand). Cytogenetic location: 3q22.1.
Variant type: single nucleotide variant.
Coding change: c.2926G>A on transcript NM_153240.5 (MANE Select); coding-DNA position 2926, G replaced by A.
Protein change: p.Ala976Thr; replaces alanine 976 with threonine.
Molecular consequence: missense variant. On other transcripts: non-coding transcript variant (1).
Genome position (GRCh38, 1-based): chr3:132,688,849, C>T on the plus strand (G>A on the coding strand, the complement: NPHP3 is on the minus strand). VCF-style: chr3-132688849-C-T. GRCh37 (hg19) VCF-style: chr3-132407693-C-T.
Other names: short protein forms A976T.
Identifiers: ClinVar variation 1946638 (VCV001946638.5), dbSNP rs1412427632, ClinGen allele CA354580160.